The following is an entry in ClinVar:

NM_024642.5(GALNT12):c.1345-9T>C

Gene: GALNT12 (polypeptide N-acetylgalactosaminyltransferase 12; plus strand). Cytogenetic location: 9q22.33.
Variant type: single nucleotide variant.
Coding change: c.1345-9T>C on transcript NM_024642.5 (MANE Select); 9 bases into the intron before coding-DNA position 1345, T replaced by C.
Molecular consequence: intron variant.
Genome position (GRCh38, 1-based): chr9:98,844,087, T>C. VCF-style: chr9-98844087-T-C. GRCh37 (hg19) VCF-style: chr9-101606369-T-C.
Identifiers: ClinVar variation 697459 (VCV000697459.9), dbSNP rs761220555, ClinGen allele CA5154254.

ClinVar aggregate classification (germline): Likely benign. Review status: criteria provided, multiple submitters, no conflicts (2 of 4 stars). 2 submissions from 2 submitters: Likely benign (2). Last evaluated 2026-04-22.

Conditions:
Colorectal cancer, susceptibility to, 1. Also called: COLORECTAL ADENOMA AND CANCER, SUSCEPTIBILITY TO; COLORECTAL CANCER, SUSCEPTIBILITY TO, ON CHROMOSOME 9. Identifiers: MedGen C1837315, MONDO:0012132, OMIM 608812.

Allele frequency attached by ClinVar (database versions not stated): gnomAD 0.00002 and 0.00001; ExAC 0.00001; gnomAD exomes 0.00001 and 0.00002; TOPMed 0.00005.
gnomAD v4.1: 15 of 1,588,848 alleles (0.00094%); highest among the groups gnomAD compares: Admixed American, 0.01%; no homozygotes.

Submissions (2):

Myriad Genetics, Inc.
Classification: Likely benign for Colorectal cancer, susceptibility to, 1. Last evaluated: 2026-04-22. Review status: criteria provided, single submitter. Criteria: Myriad Autosomal Dominant, Autosomal Recessive and X-Linked Classification Criteria (2023). Collection method: clinical testing. Allele origin: unknown.
Comment: This variant is considered likely benign. This variant is intronic and is not expected to impact mRNA splicing.

Labcorp Genetics (formerly Invitae), Labcorp
Classification: Likely benign. Last evaluated: 2025-07-21. Review status: criteria provided, single submitter. Criteria: Invitae Variant Classification Sherloc (09022015). Collection method: clinical testing. Allele origin: germline.